The following is an entry in ClinVar:

NM_001999.4(FBN2):c.2864-12A>G

Gene: FBN2 (fibrillin 2; minus strand). Cytogenetic location: 5q23.3.
Variant type: single nucleotide variant.
Coding change: c.2864-12A>G on transcript NM_001999.4 (MANE Select); 12 bases into the intron before coding-DNA position 2864, A replaced by G.
Molecular consequence: intron variant.
Genome position (GRCh38, 1-based): chr5:128,349,484, T>C on the plus strand (A>G on the coding strand, the complement: FBN2 is on the minus strand). VCF-style: chr5-128349484-T-C. GRCh37 (hg19) VCF-style: chr5-127685176-T-C.
Identifiers: ClinVar variation 513848 (VCV000513848.4), dbSNP rs1234935460, ClinGen allele CA658796630.

ClinVar aggregate classification (germline): Likely benign. Review status: criteria provided, multiple submitters, no conflicts (2 of 4 stars). 2 submissions from 2 submitters: Likely benign (2). Last evaluated 2024-05-06.

Conditions:
Congenital contractural arachnodactyly (CCA). Also called: BEALS SYNDROME; Arthrogryposis, distal, type 9; Beals-Hecht syndrome. Identifiers: Orphanet 115, MedGen C0220668, MONDO:0007363, OMIM 121050.

Allele frequency attached by ClinVar (database versions not stated): TOPMed below 0.00001; gnomAD 0.00001.
gnomAD v4.1: 7 of 1,613,484 alleles (0.00043%); highest among the groups gnomAD compares: African/African-American, 0.0027%; no homozygotes.

Submissions (2):

Labcorp Genetics (formerly Invitae), Labcorp
Classification: Likely benign for Congenital contractural arachnodactyly. Last evaluated: 2024-05-06. Review status: criteria provided, single submitter. Criteria: Invitae Variant Classification Sherloc (09022015). Collection method: clinical testing. Allele origin: germline.

GeneDx
Classification: Likely benign. Last evaluated: 2017-12-05. Review status: criteria provided, single submitter. Criteria: GeneDx Variant Classification (06012015). Collection method: clinical testing. Allele origin: germline. Affected: yes.
Comment: This variant is considered likely benign or benign based on one or more of the following criteria: it is a conservative change, it occurs at a poorly conserved position in the protein, it is predicted to be benign by multiple in silico algorithms, and/or has population frequency not consistent with disease.